The following is an entry in ClinVar:

NM_001204.7(BMPR2):c.1777C>G (p.Gln593Glu)

Gene: BMPR2 (bone morphogenetic protein receptor type 2; plus strand). Cytogenetic location: 2q33.2.
Variant type: single nucleotide variant.
Coding change: c.1777C>G on transcript NM_001204.7 (MANE Select); coding-DNA position 1777, C replaced by G.
Protein change: p.Gln593Glu; replaces glutamine 593 with glutamic acid.
Molecular consequence: missense variant.
Genome position (GRCh38, 1-based): chr2:202,555,442, C>G. VCF-style: chr2-202555442-C-G. GRCh37 (hg19) VCF-style: chr2-203420165-C-G.
Other names: short protein forms Q593E.
Identifiers: ClinVar variation 4214457 (VCV004214457.1).

ClinVar aggregate classification (germline): Uncertain significance (1 of 4 stars; one submission).

Conditions:
Inborn genetic diseases. Identifiers: MedGen C0950123, MeSH D030342.

Submission:

Ambry Genetics
Classification: Uncertain significance for Inborn genetic diseases. Last evaluated: 2025-07-18. Review status: criteria provided, single submitter. Criteria: Ambry Variant Classification Scheme 2023. Collection method: clinical testing. Allele origin: germline.
Comment: The p.Q593E variant (also known as c.1777C>G), located in coding exon 12 of the BMPR2 gene, results from a C to G substitution at nucleotide position 1777. The glutamine at codon 593 is replaced by glutamic acid, an amino acid with highly similar properties. This amino acid position is conserved. In addition, the in silico prediction for this alteration is inconclusive. Based on the available evidence, the clinical significance of this variant remains unclear.